The following is an entry in ClinVar:

ClinVar aggregate classification (germline): Uncertain significance. Review status: criteria provided, multiple submitters, no conflicts (2 of 4 stars). 2 submissions from 2 submitters: Uncertain significance (2). Last evaluated 2023-04-30.

Allele frequency attached by ClinVar (database versions not stated): gnomAD exomes 0.00001; TOPMed 0.00001; ExAC 0.00002.
gnomAD v4.1: 18 of 1,607,208 alleles (0.0011%); highest among the groups gnomAD compares: East Asian, 0.0045%; no homozygotes.

Submissions (2):

Labcorp Genetics (formerly Invitae), Labcorp
Classification: Uncertain significance. Last evaluated: 2023-04-30. Review status: criteria provided, single submitter. Criteria: Invitae Variant Classification Sherloc (09022015). Collection method: clinical testing. Allele origin: germline.
Comment: In summary, the available evidence is currently insufficient to determine the role of this variant in disease. Therefore, it has been classified as a Variant of Uncertain Significance. This variant is present in population databases (rs762405838, gnomAD 0.02%). Advanced modeling of protein sequence and biophysical properties (such as structural, functional, and spatial information, amino acid conservation, physicochemical variation, residue mobility, and thermodynamic stability) performed at Invitae indicates that this missense variant is not expected to disrupt FBN3 protein function. ClinVar contains an entry for this variant (Variation ID: 2387723). This variant has not been reported in the literature in individuals affected with FBN3-related conditions. This sequence change replaces arginine, which is basic and polar, with glutamine, which is neutral and polar, at codon 2221 of the FBN3 protein (p.Arg2221Gln).

Ambry Genetics
Classification: Uncertain significance. Last evaluated: 2021-08-12. Review status: criteria provided, single submitter. Criteria: Ambry Variant Classification Scheme 2023. Collection method: clinical testing. Allele origin: germline.

NM_032447.5(FBN3):c.6662G>A (p.Arg2221Gln)

Gene: FBN3 (fibrillin 3; minus strand). Cytogenetic location: 19p13.2.
Variant type: single nucleotide variant.
Coding change: c.6662G>A on transcript NM_032447.5 (MANE Select); coding-DNA position 6662, G replaced by A.
Protein change: p.Arg2221Gln; replaces arginine 2221 with glutamine.
Molecular consequence: missense variant.
Genome position (GRCh38, 1-based): chr19:8,087,169, C>T on the plus strand (G>A on the coding strand, the complement: FBN3 is on the minus strand). VCF-style: chr19-8087169-C-T. GRCh37 (hg19) VCF-style: chr19-8152053-C-T.
Other names: c.6662G>A, p.Arg2221Gln (NM_001321431.2); short protein forms R2221Q.
Identifiers: ClinVar variation 2387723 (VCV002387723.5), dbSNP rs762405838, ClinGen allele CA9151180.